The following is an entry in ClinVar:

ClinVar aggregate classification (germline): Likely benign (1 of 4 stars; one submission).

Allele frequency attached by ClinVar (database versions not stated): 1000 Genomes Project 0.00060; 1000 Genomes Project 30x 0.00078; TOPMed 0.00125; gnomAD 0.00128; ESP Exome Variant Server 0.00138; gnomAD exomes 0.00180; ExAC 0.00213.
gnomAD v4.1: 2,815 of 1,614,154 alleles (0.17%); highest among the groups gnomAD compares: Non-Finnish European, 0.2%; 3 homozygotes.

Submission:

CeGaT Center for Human Genetics Tuebingen
Classification: Likely benign. Last evaluated: 2023-07-01. Review status: criteria provided, single submitter. Criteria: CeGaT Center For Human Genetics Tuebingen Variant Classification Criteria Version 2. Collection method: clinical testing. Allele origin: germline. Affected: yes. Observed: 1 variant allele.
Comment: HKDC1: BS2

NM_025130.4(HKDC1):c.2674T>C (p.Ser892Pro)

Gene: HKDC1 (hexokinase domain containing 1; plus strand). Cytogenetic location: 10q22.1.
Variant type: single nucleotide variant.
Coding change: c.2674T>C on transcript NM_025130.4 (MANE Select); coding-DNA position 2674, T replaced by C.
Protein change: p.Ser892Pro; replaces serine 892 with proline.
Molecular consequence: missense variant.
Genome position (GRCh38, 1-based): chr10:69,266,677, T>C. VCF-style: chr10-69266677-T-C. GRCh37 (hg19) VCF-style: chr10-71026433-T-C.
Other names: short protein forms S892P.
Identifiers: ClinVar variation 2640546 (VCV002640546.24), dbSNP rs148418934, ClinGen allele CA5532016.